The following is an entry in ClinVar:

NM_001082486.2(ACD):c.63_64del (p.Glu21fs)

Gene: ACD (ACD shelterin complex subunit and telomerase recruitment factor; minus strand). Cytogenetic location: 16q22.1.
Variant type: Microsatellite.
Coding change: c.63_64del on transcript NM_001082486.2 (MANE Select); coding-DNA positions 63 to 64, 2 bases deleted (GA; older notation c.63_64delGA).
Protein change: p.Glu21fs; shifts the reading frame from glutamic acid 21.
Molecular consequence: frameshift variant.
Genome position (GRCh38, 1-based): chr16:67,660,157-67,660,158, TC deleted on the plus strand (GA on the coding strand, the reverse complement: ACD is on the minus strand); deleting any 2 consecutive bases within chr16:67,660,157-67,660,161 gives the same sequence; the c. name uses the placement nearest the transcript's 3' end. VCF-style (leftmost placement, unchanged base first): chr16-67660156-GTC-G. GRCh37 (hg19) VCF-style: chr16-67694059-GTC-G.
Other names: c.63_64del, p.Glu21fs (NM_001410884.1, NM_022914.3); short protein forms E21fs.
Identifiers: ClinVar variation 4804987 (VCV004804987.1).

ClinVar aggregate classification (germline): Uncertain significance (1 of 4 stars; one submission).

Conditions:
Dyskeratosis congenita, autosomal dominant 6 (DKCA6). Identifiers: Orphanet 3322, MedGen C4225284, MONDO:0014690, OMIM 616553.

Submission:

Labcorp Genetics (formerly Invitae), Labcorp
Classification: Uncertain significance for Dyskeratosis congenita, autosomal dominant 6. Last evaluated: 2025-11-17. Review status: criteria provided, single submitter. Criteria: Invitae Variant Classification Sherloc (09022015). Collection method: clinical testing. Allele origin: germline.
Comment: This sequence change creates a premature translational stop signal (p.Glu107Aspfs*12) in the ACD gene. It is expected to result in an absent or disrupted protein product. However, the current clinical and genetic evidence is not sufficient to establish whether loss-of-function variants in ACD cause disease. This variant is not present in population databases (gnomAD no frequency). This variant has not been reported in the literature in individuals affected with ACD-related conditions. In summary, the available evidence is currently insufficient to determine the role of this variant in disease. Therefore, it has been classified as a Variant of Uncertain Significance.